The following is an entry in ClinVar:

NM_001011658.4(TRAPPC2):c.*849C>T

Gene: TRAPPC2 (trafficking protein particle complex subunit 2; minus strand). Cytogenetic location: Xp22.2.
Variant type: single nucleotide variant.
Coding change: c.*849C>T on transcript NM_001011658.4 (MANE Select); 849 bases downstream of the stop codon, C replaced by T.
Molecular consequence: 3 prime UTR variant.
Genome position (GRCh38, 1-based): chrX:13,713,558, G>A on the plus strand (C>T on the coding strand, the complement: TRAPPC2 is on the minus strand). VCF-style: chrX-13713558-G-A. GRCh37 (hg19) VCF-style: chrX-13731677-G-A.
Other names: c.*849C>T (NM_001128835.3, NM_014563.6).
Identifiers: ClinVar variation 367980 (VCV000367980.5), dbSNP rs112880750, ClinGen allele CA10653794.

ClinVar aggregate classification (germline): Likely benign (1 of 4 stars; one submission).

Conditions:
Spondyloepiphyseal dysplasia tarda (SEDT). Also called: SPONDYLOEPIPHYSEAL DYSPLASIA, LATE. Identifiers: Orphanet 93284, MedGen CN033239, MONDO:0019667.

Allele frequency attached by ClinVar (database versions not stated): 1000 Genomes Project 30x 0.00125; 1000 Genomes Project 0.00132; gnomAD 0.00161 and 0.00172; TOPMed 0.00176.

Submission:

Illumina Laboratory Services, Illumina
Classification: Likely benign for Spondyloepiphyseal dysplasia tarda, X-linked. Last evaluated: 2018-01-12. Review status: criteria provided, single submitter. Criteria: ICSL Variant Classification Criteria 13 December 2019. Collection method: clinical testing. Allele origin: germline.
Comment: This variant was observed in the ICSL laboratory as part of a predisposition screen in an ostensibly healthy population. It had not been previously curated by ICSL or reported in the Human Gene Mutation Database (HGMD: prior to June 1st, 2018), and was therefore a candidate for classification through an automated scoring system. Utilizing variant allele frequency, disease prevalence and penetrance estimates, and inheritance mode, an automated score was calculated to assess if this variant is too frequent to cause the disease. Based on the score and internal cut-off values, a variant classified as likely benign is not then subjected to further curation. The score for this variant resulted in a classification of likely benign for this disease.